The following is an entry in ClinVar:

NM_000264.5(PTCH1):c.1120G>C (p.Glu374Gln)

Gene: PTCH1 (patched 1; minus strand). Cytogenetic location: 9q22.32.
Variant type: single nucleotide variant.
Coding change: c.1120G>C on transcript NM_000264.5 (MANE Select); coding-DNA position 1120, G replaced by C.
Protein change: p.Glu374Gln; replaces glutamic acid 374 with glutamine.
Molecular consequence: missense variant. On other transcripts: non-coding transcript variant (1).
Genome position (GRCh38, 1-based): chr9:95,479,095, C>G on the plus strand (G>C on the coding strand, the complement: PTCH1 is on the minus strand). VCF-style: chr9-95479095-C-G. GRCh37 (hg19) VCF-style: chr9-98241377-C-G.
Other names: c.922G>C, p.Glu308Gln (NM_001083602.3); c.1117G>C, p.Glu373Gln (NM_001083603.3); c.667G>C, p.Glu223Gln (NM_001083604.3, NM_001083605.3, NM_001083606.3 and 1 more transcripts); c.1120G>C, p.Glu374Gln (NM_001354918.2); short protein forms E308Q, E373Q, E374Q, E223Q.
Identifiers: ClinVar variation 2142522 (VCV002142522.4), dbSNP rs144323077, ClinGen allele CA374119424.
Genomic context (GRCh38, chr9:95,479,095, plus strand): 5'-CTGCCGCTTTGTCCTCGTTCCAGTTGATGTGTGAGACATACTCGTACCCCTTGAAGTGCT[C>G]GTACATTTGCTTGGGAGTCATTAACTGGAACATGGTCTGCAGGGCATGGGCGCTGCAGCA-3'
Protein context (NP_000255.2, residues 364-384): FQLMTPKQMY[Glu374Gln]HFKGYEYVSH

ClinVar aggregate classification (germline): Uncertain significance (1 of 4 stars; one submission).

Conditions:
Gorlin syndrome. Also called: Basal cell nevus syndrome; Nevoid Basal Cell Carcinoma Syndrome. Identifiers: Orphanet 377, MedGen C0004779, MONDO:0007187.

Submission:

Labcorp Genetics (formerly Invitae), Labcorp
Classification: Uncertain significance for Gorlin syndrome. Last evaluated: 2022-04-12. Review status: criteria provided, single submitter. Criteria: Invitae Variant Classification Sherloc (09022015). Collection method: clinical testing. Allele origin: germline.
Comment: In summary, the available evidence is currently insufficient to determine the role of this variant in disease. Therefore, it has been classified as a Variant of Uncertain Significance. Algorithms developed to predict the effect of missense changes on protein structure and function are either unavailable or do not agree on the potential impact of this missense change (SIFT: "Tolerated"; PolyPhen-2: "Possibly Damaging"; Align-GVGD: "Class C0"). This variant has not been reported in the literature in individuals affected with PTCH1-related conditions. This variant is not present in population databases (gnomAD no frequency). This sequence change replaces glutamic acid, which is acidic and polar, with glutamine, which is neutral and polar, at codon 374 of the PTCH1 protein (p.Glu374Gln).